The following is an entry in ClinVar:

ClinVar aggregate classification (germline): Uncertain significance (1 of 4 stars; one submission).

Submission:

GeneDx
Classification: Uncertain significance. Last evaluated: 2022-12-28. Review status: criteria provided, single submitter. Criteria: GeneDx Variant Classification Process June 2021. Collection method: clinical testing. Allele origin: germline. Affected: yes.
Comment: Not observed at significant frequency in large population cohorts (gnomAD); In silico analysis supports that this missense variant has a deleterious effect on protein structure/function; Has not been previously published as pathogenic or benign to our knowledge

NM_000202.8(IDS):c.322T>C (p.Tyr108His)

Gene: IDS (iduronate 2-sulfatase; minus strand). Cytogenetic location: Xq28.
Variant type: single nucleotide variant.
Coding change: c.322T>C on transcript NM_000202.8 (MANE Select); coding-DNA position 322, T replaced by C.
Protein change: p.Tyr108His; replaces tyrosine 108 with histidine.
Molecular consequence: missense variant. On other transcripts: non-coding transcript variant (1).
Genome position (GRCh38, 1-based): chrX:149,503,408, A>G on the plus strand (T>C on the coding strand, the complement: IDS is on the minus strand). VCF-style: chrX-149503408-A-G. GRCh37 (hg19) VCF-style: chrX-148584938-A-G.
Other names: c.52T>C, p.Tyr18His (NM_001166550.4); c.322T>C, p.Tyr108His (NM_006123.5); short protein forms Y108H, Y18H.
Identifiers: ClinVar variation 2507057 (VCV002507057.1), dbSNP rs2520896190, ClinGen allele CA414526363.